The following is an entry in ClinVar:

NM_006231.4(POLE):c.3638A>C (p.Glu1213Ala)

Gene: POLE (DNA polymerase epsilon, catalytic subunit; minus strand). Cytogenetic location: 12q24.33.
Variant type: single nucleotide variant.
Coding change: c.3638A>C on transcript NM_006231.4 (MANE Select); coding-DNA position 3638, A replaced by C.
Protein change: p.Glu1213Ala; replaces glutamic acid 1213 with alanine.
Molecular consequence: missense variant.
Genome position (GRCh38, 1-based): chr12:132,649,834, T>G on the plus strand (A>C on the coding strand, the complement: POLE is on the minus strand). VCF-style: chr12-132649834-T-G. GRCh37 (hg19) VCF-style: chr12-133226420-T-G.
Other names: c.3638A>C (NM_006231.2); short protein forms E1213A.
Identifiers: ClinVar variation 2054606 (VCV002054606.5), dbSNP rs2138614839, ClinGen allele CA387386860.

ClinVar aggregate classification (germline): Uncertain significance. Review status: criteria provided, multiple submitters, no conflicts (2 of 4 stars). 2 submissions from 2 submitters: Uncertain significance (2). Last evaluated 2026-03-04.

Conditions:
Hereditary cancer-predisposing syndrome. Also called: Neoplastic Syndromes, Hereditary; Tumor predisposition; Hereditary Cancer Syndrome; Hereditary neoplastic syndrome. Identifiers: Orphanet 140162, MedGen C0027672, MeSH D009386, MONDO:0015356.

Allele frequency attached by ClinVar (database versions not stated): gnomAD exomes below 0.00001.

Submissions (2):

Ambry Genetics
Classification: Uncertain significance for Hereditary cancer-predisposing syndrome. Last evaluated: 2026-03-04. Review status: criteria provided, single submitter. Criteria: Ambry Variant Classification Scheme 2023. Collection method: clinical testing. Allele origin: germline.
Comment: The p.E1213A variant (also known as c.3638A>C), located in coding exon 30 of the POLE gene, results from an A to C substitution at nucleotide position 3638. The glutamic acid at codon 1213 is replaced by alanine, an amino acid with dissimilar properties. This amino acid position is conserved. In addition, the in silico prediction for this alteration is inconclusive. Based on the available evidence, the clinical significance of this variant remains unclear.

Labcorp Genetics (formerly Invitae), Labcorp
Classification: Uncertain significance. Last evaluated: 2024-06-02. Review status: criteria provided, single submitter. Criteria: Invitae Variant Classification Sherloc (09022015). Collection method: clinical testing. Allele origin: germline.
Comment: This sequence change replaces glutamic acid, which is acidic and polar, with alanine, which is neutral and non-polar, at codon 1213 of the POLE protein (p.Glu1213Ala). This variant is not present in population databases (gnomAD no frequency). This variant has not been reported in the literature in individuals affected with POLE-related conditions. ClinVar contains an entry for this variant (Variation ID: 2054606). Advanced modeling of protein sequence and biophysical properties (such as structural, functional, and spatial information, amino acid conservation, physicochemical variation, residue mobility, and thermodynamic stability) performed at Invitae indicates that this missense variant is expected to disrupt POLE protein function with a positive predictive value of 80%. In summary, the available evidence is currently insufficient to determine the role of this variant in disease. Therefore, it has been classified as a Variant of Uncertain Significance.